The following is an entry in ClinVar:

NM_002476.2(MYL4):c.113C>G (p.Ala38Gly)

Gene: MYL4 (myosin light chain 4; plus strand). Cytogenetic location: 17q21.32.
Variant type: single nucleotide variant.
Coding change: c.113C>G on transcript NM_002476.2 (MANE Select); coding-DNA position 113, C replaced by G.
Protein change: p.Ala38Gly; replaces alanine 38 with glycine.
Molecular consequence: missense variant.
Genome position (GRCh38, 1-based): chr17:47,209,535, C>G. VCF-style: chr17-47209535-C-G. GRCh37 (hg19) VCF-style: chr17-45286901-C-G.
Other names: c.113C>G, p.Ala38Gly (NM_001002841.2); short protein forms A38G.
Identifiers: ClinVar variation 861142 (VCV000861142.7), dbSNP rs780020430, ClinGen allele CA8622567.

ClinVar aggregate classification (germline): Uncertain significance (1 of 4 stars; one submission).

Conditions:
Atrial fibrillation, familial, 18 (ATFB18). Identifiers: MedGen C4310636, MONDO:0015001, OMIM 617280.

Allele frequency attached by ClinVar (database versions not stated): TOPMed 0.00002.
gnomAD v4.1: 46 of 1,614,092 alleles (0.0028%); highest among the groups gnomAD compares: East Asian, 0.1%; no homozygotes.

Submission:

Labcorp Genetics (formerly Invitae), Labcorp
Classification: Uncertain significance for Atrial fibrillation, familial, 18. Last evaluated: 2025-08-11. Review status: criteria provided, single submitter. Criteria: Invitae Variant Classification Sherloc (09022015). Collection method: clinical testing. Allele origin: germline.
Comment: This sequence change replaces alanine, which is neutral and non-polar, with glycine, which is neutral and non-polar, at codon 38 of the MYL4 protein (p.Ala38Gly). This variant is present in population databases (rs780020430, gnomAD 0.2%). This variant has not been reported in the literature in individuals affected with MYL4-related conditions. ClinVar contains an entry for this variant (Variation ID: 861142). Experimental studies and prediction algorithms are not available or were not evaluated, and the functional significance of this variant is currently unknown. In summary, the available evidence is currently insufficient to determine the role of this variant in disease. Therefore, it has been classified as a Variant of Uncertain Significance.